The following is an entry in ClinVar:

ClinVar aggregate classification (germline): Likely benign (1 of 4 stars; one submission).

Allele frequency attached by ClinVar (database versions not stated): gnomAD exomes 0.00178; 1000 Genomes Project 0.00200; gnomAD 0.00222; ESP Exome Variant Server 0.00231; 1000 Genomes Project 30x 0.00234; ExAC 0.00271; TOPMed 0.00286.
gnomAD v4.1: 3,111 of 1,612,810 alleles (0.19%); highest among the groups gnomAD compares: Middle Eastern, 1.8%; 31 homozygotes.

Submission:

CeGaT Center for Human Genetics Tuebingen
Classification: Likely benign. Last evaluated: 2023-01-01. Review status: criteria provided, single submitter. Criteria: CeGaT Center For Human Genetics Tuebingen Variant Classification Criteria Version 2. Collection method: clinical testing. Allele origin: germline. Affected: yes. Observed: 1 variant allele.
Comment: FURIN: BP4, BS2

NM_002569.4(FURIN):c.241C>T (p.Arg81Cys)

Gene: FURIN (furin, paired basic amino acid cleaving enzyme; plus strand). Cytogenetic location: 15q26.1.
Variant type: single nucleotide variant.
Coding change: c.241C>T on transcript NM_002569.4 (MANE Select); coding-DNA position 241, C replaced by T.
Protein change: p.Arg81Cys; replaces arginine 81 with cysteine.
Molecular consequence: missense variant. On other transcripts: non-coding transcript variant (1).
Genome position (GRCh38, 1-based): chr15:90,876,318, C>T. VCF-style: chr15-90876318-C-T. GRCh37 (hg19) VCF-style: chr15-91419548-C-T.
Other names: c.241C>T, p.Arg81Cys (NM_001289823.2, NM_001289824.2, NM_001382619.1 and 3 more transcripts); short protein forms R81C.
Identifiers: ClinVar variation 2645709 (VCV002645709.24), dbSNP rs148110342, ClinGen allele CA7739304.